The following is an entry in ClinVar:

NM_000219.6(KCNE1):c.175C>G (p.Leu59Val)

Gene: KCNE1 (potassium voltage-gated channel subfamily E regulatory subunit 1; minus strand). Cytogenetic location: 21q22.12.
Variant type: single nucleotide variant.
Coding change: c.175C>G on transcript NM_000219.6 (MANE Select); coding-DNA position 175, C replaced by G.
Protein change: p.Leu59Val; replaces leucine 59 with valine.
Molecular consequence: missense variant.
Genome position (GRCh38, 1-based): chr21:34,449,460, G>C on the plus strand (C>G on the coding strand, the complement: KCNE1 is on the minus strand). VCF-style: chr21-34449460-G-C. GRCh37 (hg19) VCF-style: chr21-35821758-G-C.
Other names: c.175C>G, p.Leu59Val (NM_001127668.4, NM_001127669.4, NM_001127670.4 and 4 more transcripts); short protein forms L59V.
Identifiers: ClinVar variation 3374247 (VCV003374247.2).

Conditions:
Long QT syndrome 5 (LQT5). Identifiers: Orphanet 101016, Orphanet 768, MedGen C1867904, MONDO:0013372, OMIM 613695.

Submission:

Roden Lab, Vanderbilt University Medical Center
No classification provided (evidence only). Condition: Long QT syndrome 5. Review status: no classification provided. Collection method: in vitro. Allele origin: not applicable. Functional consequence: Effect on ion channel function.
ClinVar note: "not provided" was previously submitted as the classification for the variant. However, the classification appeared to be based only on an observation of functional data so it was converted to no classification on 2025-07-30.